The following is an entry in ClinVar:

NM_001364905.1(LRBA):c.4472A>G (p.Asp1491Gly)

Gene: LRBA (LPS responsive beige-like anchor protein; minus strand). Cytogenetic location: 4q31.3.
Variant type: single nucleotide variant.
Coding change: c.4472A>G on transcript NM_001364905.1 (MANE Select); coding-DNA position 4472, A replaced by G.
Protein change: p.Asp1491Gly; replaces aspartic acid 1491 with glycine.
Molecular consequence: missense variant.
Genome position (GRCh38, 1-based): chr4:150,844,197, T>C on the plus strand (A>G on the coding strand, the complement: LRBA is on the minus strand). VCF-style: chr4-150844197-T-C. GRCh37 (hg19) VCF-style: chr4-151765349-T-C.
Other names: c.4472A>G, p.Asp1491Gly (NM_001199282.3, NM_001367550.1, NM_006726.5); short protein forms D1491G.
Identifiers: ClinVar variation 1720233 (VCV001720233.3), dbSNP rs1578971584, ClinGen allele CA358450684.
Genomic context (GRCh38, chr4:150,844,197, plus strand): 5'-TCCATGTCCTGTAGAAGCCTGTCAAGATCTCTTACTGGAGATATACCGCCAGTCACAATG[T>C]CCACTGGGCTCTATTTAAGATTAAAAAAAAATTGTATATATATATATTCATATATACATT-3'
Protein context (NP_001351834.1, residues 1481-1501): LGKSAAKSPV[Asp1491Gly]IVTGGISPVR

ClinVar aggregate classification (germline): Uncertain significance (1 of 4 stars; one submission).

Conditions:
Combined immunodeficiency due to LRBA deficiency. Also called: Common variable immunodeficiency 8, with autoimmunity. Identifiers: Orphanet 445018, MedGen C3553512, MONDO:0013863, OMIM 614700.

Submission:

Labcorp Genetics (formerly Invitae), Labcorp
Classification: Uncertain significance for Combined immunodeficiency due to LRBA deficiency. Last evaluated: 2023-08-17. Review status: criteria provided, single submitter. Criteria: Invitae Variant Classification Sherloc (09022015). Collection method: clinical testing. Allele origin: germline.
Comment: This sequence change replaces aspartic acid, which is acidic and polar, with glycine, which is neutral and non-polar, at codon 1491 of the LRBA protein (p.Asp1491Gly). This variant is not present in population databases (gnomAD no frequency). This variant has not been reported in the literature in individuals affected with LRBA-related conditions. ClinVar contains an entry for this variant (Variation ID: 1720233). Advanced modeling of protein sequence and biophysical properties (such as structural, functional, and spatial information, amino acid conservation, physicochemical variation, residue mobility, and thermodynamic stability) has been performed at Invitae for this missense variant, however the output from this modeling did not meet the statistical confidence thresholds required to predict the impact of this variant on LRBA protein function. In summary, the available evidence is currently insufficient to determine the role of this variant in disease. Therefore, it has been classified as a Variant of Uncertain Significance.